The following is an entry in ClinVar:

NM_006080.3(SEMA3A):c.1793G>C (p.Ser598Thr)

Gene: SEMA3A (semaphorin 3A; minus strand). Cytogenetic location: 7q21.11.
Variant type: single nucleotide variant.
Coding change: c.1793G>C on transcript NM_006080.3 (MANE Select); coding-DNA position 1793, G replaced by C.
Protein change: p.Ser598Thr; replaces serine 598 with threonine.
Molecular consequence: missense variant.
Genome position (GRCh38, 1-based): chr7:83,963,272, C>G on the plus strand (G>C on the coding strand, the complement: SEMA3A is on the minus strand). VCF-style: chr7-83963272-C-G. GRCh37 (hg19) VCF-style: chr7-83592588-C-G.
Other names: short protein forms S598T.
Identifiers: ClinVar variation 5002390 (VCV005002390.1).
Genomic context (GRCh38, chr7:83,963,272, plus strand): 5'-TTTCGCTCTTCATTTCGCCTCTGGAATTGCCAATAGACCAGCGCTCTCTGCGACTTCGGA[C>G]TGCATTCCAAAAATGTGCTACTATTCTCTACACCATAGATGATTCTCTCTTCAGGGCTGT-3'
Protein context (NP_006071.1, residues 588-608): VENSSTFLEC[Ser598Thr]PKSQRALVYW

ClinVar aggregate classification (germline): Uncertain significance (1 of 4 stars; one submission).

Conditions:
SEMA3A-related disorder. Also called: SEMA3A-related condition.

Submission:

PreventionGenetics, part of Exact Sciences
Classification: Uncertain significance for SEMA3A-related condition. Last evaluated: 2025-07-15. Review status: criteria provided, single submitter. Criteria: ACMG Guidelines, 2015. Collection method: clinical testing. Allele origin: germline.
Comment: The SEMA3A c.1793G>C variant is predicted to result in the amino acid substitution p.Ser598Thr. To our knowledge, this variant has not been reported in the literature or in a large population database (gnomAD), indicating this variant is rare. At the time of reporting, this variant was not present in ClinVar. At this time, the clinical significance of this variant is uncertain due to the absence of conclusive functional and genetic evidence.